The following is an entry in ClinVar:

ClinVar aggregate classification (germline): Likely pathogenic (1 of 4 stars; one submission).

Submission:

Labcorp Genetics (formerly Invitae), Labcorp
Classification: Likely pathogenic. Last evaluated: 2022-02-15. Review status: criteria provided, single submitter. Criteria: Invitae Variant Classification Sherloc (09022015). Collection method: clinical testing. Allele origin: germline.
Comment: This sequence change affects a donor splice site in intron 78 of the COL7A1 gene. It is expected to disrupt RNA splicing. Variants that disrupt the donor or acceptor splice site typically lead to a loss of protein function (PMID: 16199547), and loss-of-function variants in COL7A1 are known to be pathogenic (PMID: 16971478). This variant is not present in population databases (gnomAD no frequency). This variant has not been reported in the literature in individuals affected with COL7A1-related conditions. ClinVar contains an entry for this variant (Variation ID: 1067198). Algorithms developed to predict the effect of sequence changes on RNA splicing suggest that this variant may disrupt the consensus splice site. In summary, the currently available evidence indicates that the variant is pathogenic, but additional data are needed to prove that conclusively. Therefore, this variant has been classified as Likely Pathogenic.

Literature cited by the submitters: PubMed 16199547; PubMed 16971478.

NM_000094.4(COL7A1):c.6456+1G>C

Gene: COL7A1 (collagen type VII alpha 1 chain; minus strand). Cytogenetic location: 3p21.31.
Variant type: single nucleotide variant.
Coding change: c.6456+1G>C on transcript NM_000094.4 (MANE Select); the canonical splice donor site of the intron after coding-DNA position 6456, G replaced by C.
Molecular consequence: splice donor variant.
Genome position (GRCh38, 1-based): chr3:48,574,487, C>G on the plus strand (G>C on the coding strand, the complement: COL7A1 is on the minus strand). VCF-style: chr3-48574487-C-G. GRCh37 (hg19) VCF-style: chr3-48611920-C-G.
Identifiers: ClinVar variation 1067198 (VCV001067198.5), dbSNP rs2107668482, ClinGen allele CA352658242.
Genomic context (GRCh38, chr3:48,574,487, plus strand): 5'-CAGGACAATACATGTGAGAGCCACCTTCTTGCACATGTGTGGCTGTTGGGCAAGGACTTA[C>G]CGGGTTGCCGTCCTGACCCCTCGGTCCAGGCTCTCCCCGGTCTCCTTTGATGCCTGGCAC-3'